The following is an entry in ClinVar:

ClinVar aggregate classification (germline): Uncertain significance (0 of 4 stars; one submission).

Conditions:
Developmental delay, impaired speech, and behavioral abnormalities, with or without seizures (DEDISB). Identifiers: MedGen C5575272, MONDO:0859263, OMIM 619964.

Submission:

Institute of Human Genetics, University of Goettingen
Classification: Uncertain significance for Developmental delay, impaired speech, and behavioral abnormalities, with or without seizures. Last evaluated: 2022-10-21. Review status: no assertion criteria provided. Collection method: clinical testing. Allele origin: germline. Affected: yes. Observed: 1 heterozygote.
Comment: Developmental delay, impaired speech, and behavioral abnormalities, with or without seizures

NM_006421.5(ARFGEF1):c.1641G>A (p.Met547Ile)

Gene: ARFGEF1 (ARF guanine nucleotide exchange factor 1; minus strand). Cytogenetic location: 8q13.2.
Variant type: single nucleotide variant.
Coding change: c.1641G>A on transcript NM_006421.5 (MANE Select); coding-DNA position 1641, G replaced by A.
Protein change: p.Met547Ile; replaces methionine 547 with isoleucine.
Molecular consequence: missense variant.
Genome position (GRCh38, 1-based): chr8:67,267,374, C>T on the plus strand (G>A on the coding strand, the complement: ARFGEF1 is on the minus strand). VCF-style: chr8-67267374-C-T. GRCh37 (hg19) VCF-style: chr8-68179609-C-T.
Other names: c.1641G>A, p.Met547Ile (NM_001413184.1, NM_001413185.1, NM_001413186.1 and 7 more transcripts); c.1041G>A, p.Met347Ile (NM_001413188.1, NM_001413193.1, NM_001413197.1); c.216G>A, p.Met72Ile (NM_001413196.1); short protein forms M347I, M547I, M72I.
Identifiers: ClinVar variation 1804640 (VCV001804640.2), dbSNP rs2491659335, ClinGen allele CA371216996.